The following is an entry in ClinVar:

ClinVar aggregate classification (germline): Uncertain significance. Review status: criteria provided, multiple submitters, no conflicts (2 of 4 stars). 2 submissions from 2 submitters: Uncertain significance (2). Last evaluated 2025-08-15.

Allele frequency attached by ClinVar (database versions not stated): TOPMed 0.00001.
gnomAD v4.1: 16 of 1,547,646 alleles (0.001%); highest among the groups gnomAD compares: Non-Finnish European, 0.0012%; no homozygotes.

Submissions (2):

Ambry Genetics
Classification: Uncertain significance. Last evaluated: 2025-08-15. Review status: criteria provided, single submitter. Criteria: Ambry Variant Classification Scheme 2023. Collection method: clinical testing. Allele origin: germline.

Labcorp Genetics (formerly Invitae), Labcorp
Classification: Uncertain significance. Last evaluated: 2023-08-04. Review status: criteria provided, single submitter. Criteria: Invitae Variant Classification Sherloc (09022015). Collection method: clinical testing. Allele origin: germline.
Comment: In summary, the available evidence is currently insufficient to determine the role of this variant in disease. Therefore, it has been classified as a Variant of Uncertain Significance. An algorithm developed to predict the effect of missense changes on protein structure and function (PolyPhen-2) suggests that this variant is likely to be tolerated. ClinVar contains an entry for this variant (Variation ID: 1938275). This variant has not been reported in the literature in individuals affected with RIMS1-related conditions. This variant is not present in population databases (gnomAD no frequency). This sequence change replaces alanine, which is neutral and non-polar, with valine, which is neutral and non-polar, at codon 379 of the RIMS1 protein (p.Ala379Val).

NM_014989.7(RIMS1):c.1136C>T (p.Ala379Val)

Gene: RIMS1 (regulating synaptic membrane exocytosis 1; plus strand). Cytogenetic location: 6q13.
Variant type: single nucleotide variant.
Coding change: c.1136C>T on transcript NM_014989.7 (MANE Select); coding-DNA position 1136, C replaced by T.
Protein change: p.Ala379Val; replaces alanine 379 with valine.
Molecular consequence: missense variant.
Genome position (GRCh38, 1-based): chr6:72,182,607, C>T. VCF-style: chr6-72182607-C-T. GRCh37 (hg19) VCF-style: chr6-72892310-C-T.
Other names: c.1136C>T (NM_014989.4); short protein forms A379V.
Identifiers: ClinVar variation 1938275 (VCV001938275.6), dbSNP rs2048534338, ClinGen allele CA364820341.